The following is an entry in ClinVar:

NM_003619.4(PRSS12):c.1238A>G (p.Asp413Gly)

Gene: PRSS12 (serine protease 12; minus strand). Cytogenetic location: 4q26.
Variant type: single nucleotide variant.
Coding change: c.1238A>G on transcript NM_003619.4 (MANE Select); coding-DNA position 1238, A replaced by G.
Protein change: p.Asp413Gly; replaces aspartic acid 413 with glycine.
Molecular consequence: missense variant.
Genome position (GRCh38, 1-based): chr4:118,316,236, T>C on the plus strand (A>G on the coding strand, the complement: PRSS12 is on the minus strand). VCF-style: chr4-118316236-T-C. GRCh37 (hg19) VCF-style: chr4-119237391-T-C.
Other names: short protein forms D413G.
Identifiers: ClinVar variation 1031342 (VCV001031342.3), dbSNP rs753349424, ClinGen allele CA3055695.
Genomic context (GRCh38, chr4:118,316,236, plus strand): 5'-CCTTACTTAAATCCCAATTGTCGACAAACCACGTATGTATTCAGCTCAGTCCAGCCATCA[T>C]CACAGACAGTTCCCCACTGGCCTCTGTAATATACCTCCAAGCGACCCTCATGGCTGCCTT-3'
Protein context (NP_003610.2, residues 403-423): YYRGQWGTVC[Asp413Gly]DGWTELNTYV

ClinVar aggregate classification (germline): Uncertain significance. Review status: criteria provided, single submitter (1 of 4 stars). 2 submissions from 2 submitters: Uncertain significance (1). 1 of the submissions does not count toward it. Last evaluated 2018-10-09.

Conditions:
PRSS12-related disorder. Also called: PRSS12-related condition.
Intellectual developmental disorder, autosomal recessive 1. Also called: MENTAL RETARDATION, AUTOSOMAL RECESSIVE 1; Intellectual disability, autosomal recessive 1. Identifiers: Orphanet 88616, MedGen C1855304, MONDO:0009580, OMIM 249500.

Allele frequency attached by ClinVar (database versions not stated): gnomAD exomes 0.00007 and 0.00034; gnomAD 0.00035 and 0.00039; ExAC 0.00023; TOPMed 0.00048.
gnomAD v4.1: 171 of 1,614,006 alleles (0.011%); highest among the groups gnomAD compares: Admixed American, 0.22%; no homozygotes.

Submissions (2):

Baylor Genetics
Classification: Uncertain significance for Intellectual developmental disorder, autosomal recessive 1. Last evaluated: 2018-10-09. Review status: criteria provided, single submitter. Criteria: ACMG Guidelines, 2015. Collection method: clinical testing. Allele origin: paternal. Affected: yes.
Comment: This variant was determined to be of uncertain significance according to ACMG Guidelines, 2015 [PMID:25741868].

PreventionGenetics, part of Exact Sciences
Classification: Likely benign for PRSS12-related condition. Last evaluated: 2022-02-28. Review status: no assertion criteria provided. Collection method: clinical testing. Allele origin: germline. Not counted in ClinVar's aggregate classification.
Comment: This variant is classified as likely benign based on ACMG/AMP sequence variant interpretation guidelines (Richards et al. 2015 PMID: 25741868, with internal and published modifications).